The following is an entry in ClinVar:

NM_025257.3(SLC44A4):c.1156C>G (p.Gln386Glu)

Gene: SLC44A4 (solute carrier family 44 member 4; minus strand). Cytogenetic location: 6p21.33.
Variant type: single nucleotide variant.
Coding change: c.1156C>G on transcript NM_025257.3 (MANE Select); coding-DNA position 1156, C replaced by G.
Protein change: p.Gln386Glu; replaces glutamine 386 with glutamic acid.
Molecular consequence: missense variant.
Genome position (GRCh38, 1-based): chr6:31,869,232, G>C on the plus strand (C>G on the coding strand, the complement: SLC44A4 is on the minus strand). VCF-style: chr6-31869232-G-C. GRCh37 (hg19) VCF-style: chr6-31837009-G-C.
Other names: c.1030C>G, p.Gln344Glu (NM_001178044.2); c.928C>G, p.Gln310Glu (NM_001178045.2); short protein forms Q344E, Q310E, Q386E.
Identifiers: ClinVar variation 783632 (VCV000783632.40), dbSNP rs117127493, ClinGen allele CA3725467.

ClinVar aggregate classification (germline): Benign. Review status: criteria provided, multiple submitters, no conflicts (2 of 4 stars). 2 submissions from 2 submitters: Benign (2). Last evaluated 2026-01-27.

Allele frequency attached by ClinVar (database versions not stated): gnomAD 0.00393 and 0.00462; ESP Exome Variant Server 0.00427; TOPMed 0.00495; gnomAD exomes 0.00511 and 0.00625; ExAC 0.00646; 1000 Genomes Project 30x 0.00781; 1000 Genomes Project 0.00879.
gnomAD v4.1: 8,228 of 1,609,200 alleles (0.51%); highest among the groups gnomAD compares: East Asian, 3.7%; 98 homozygotes.

Submissions (2):

Labcorp Genetics (formerly Invitae), Labcorp
Classification: Benign. Last evaluated: 2026-01-27. Review status: criteria provided, single submitter. Criteria: Invitae Variant Classification Sherloc (09022015). Collection method: clinical testing. Allele origin: germline.

CeGaT Center for Human Genetics Tuebingen
Classification: Benign. Last evaluated: 2023-07-01. Review status: criteria provided, single submitter. Criteria: CeGaT Center For Human Genetics Tuebingen Variant Classification Criteria Version 2. Collection method: clinical testing. Allele origin: germline. Affected: yes. Observed: 2 variant alleles.
Comment: SLC44A4: BP4, BS1, BS2